The following is an entry in ClinVar:

NM_032776.3(JMJD1C):c.2842A>G (p.Lys948Glu)

Gene: JMJD1C (jumonji domain containing 1C; minus strand). Cytogenetic location: 10q21.3.
Variant type: single nucleotide variant.
Coding change: c.2842A>G on transcript NM_032776.3 (MANE Select); coding-DNA position 2842, A replaced by G.
Protein change: p.Lys948Glu; replaces lysine 948 with glutamic acid.
Molecular consequence: missense variant. On other transcripts: non-coding transcript variant (1).
Genome position (GRCh38, 1-based): chr10:63,209,088, T>C on the plus strand (A>G on the coding strand, the complement: JMJD1C is on the minus strand). VCF-style: chr10-63209088-T-C. GRCh37 (hg19) VCF-style: chr10-64968848-T-C.
Other names: c.2296A>G, p.Lys766Glu (NM_001282948.2, NM_001318154.2); c.1978A>G, p.Lys660Glu (NM_001318153.2); c.2728A>G, p.Lys910Glu (NM_001322252.2); c.2185A>G, p.Lys729Glu (NM_001322254.2, NM_001322258.2); short protein forms K766E, K948E, K660E, K729E, K910E.
Identifiers: ClinVar variation 1491194 (VCV001491194.6), dbSNP rs2133168275, ClinGen allele CA377043479.
Genomic context (GRCh38, chr10:63,209,088, plus strand): 5'-AGGTATTTATAATTTTTAAGCACTGGTGAACTTACTCCTTATGATGATCTACTAAAGTTT[T>C]TGTCAATGGTGGACTGGAATGGGCTGTAATTTTAAGAGGCCGATGAGGCTCTGCACTGGA-3'
Protein context (NP_116165.1, residues 938-958): ITAHSSPPLT[Lys948Glu]TLVDHHKEEL

ClinVar aggregate classification (germline): Uncertain significance (1 of 4 stars; one submission).

Conditions:
Early Myoclonic Encephalopathy. Identifiers: MedGen C0270855.

Submission:

Labcorp Genetics (formerly Invitae), Labcorp
Classification: Uncertain significance for Early Myoclonic Encephalopathy. Last evaluated: 2024-11-11. Review status: criteria provided, single submitter. Criteria: Invitae Variant Classification Sherloc (09022015). Collection method: clinical testing. Allele origin: germline.
Comment: This sequence change replaces lysine, which is basic and polar, with glutamic acid, which is acidic and polar, at codon 948 of the JMJD1C protein (p.Lys948Glu). This variant is not present in population databases (gnomAD no frequency). This variant has not been reported in the literature in individuals affected with JMJD1C-related conditions. ClinVar contains an entry for this variant (Variation ID: 1491194). Invitae Evidence Modeling of protein sequence and biophysical properties (such as structural, functional, and spatial information, amino acid conservation, physicochemical variation, residue mobility, and thermodynamic stability) indicates that this missense variant is expected to disrupt JMJD1C protein function with a positive predictive value of 80%. In summary, the available evidence is currently insufficient to determine the role of this variant in disease. Therefore, it has been classified as a Variant of Uncertain Significance.